The following is an entry in ClinVar:

NM_022773.4(LMF1):c.1132C>T (p.Leu378Phe)

Gene: LMF1 (lipase maturation factor 1; minus strand). Cytogenetic location: 16p13.3.
Variant type: single nucleotide variant.
Coding change: c.1132C>T on transcript NM_022773.4 (MANE Select); coding-DNA position 1132, C replaced by T.
Protein change: p.Leu378Phe; replaces leucine 378 with phenylalanine.
Molecular consequence: missense variant. On other transcripts: non-coding transcript variant (1).
Genome position (GRCh38, 1-based): chr16:870,829, G>A on the plus strand (C>T on the coding strand, the complement: LMF1 is on the minus strand). VCF-style: chr16-870829-G-A. GRCh37 (hg19) VCF-style: chr16-920829-G-A.
Other names: c.481C>T, p.Leu161Phe (NM_001352017.2, NM_001352021.2); c.733C>T, p.Leu245Phe (NM_001352018.2); c.805C>T, p.Leu269Phe (NM_001352019.2); c.1132C>T, p.Leu378Phe (NM_001352020.1); short protein forms L161F, L245F, L269F, L378F.
Identifiers: ClinVar variation 4047698 (VCV004047698.1).

ClinVar aggregate classification (germline): Uncertain significance (1 of 4 stars; one submission).

Conditions:
Cardiovascular phenotype. Identifiers: MedGen CN230736.

Submission:

Ambry Genetics
Classification: Uncertain significance for Cardiovascular phenotype. Last evaluated: 2025-05-24. Review status: criteria provided, single submitter. Criteria: Ambry Variant Classification Scheme 2023. Collection method: clinical testing. Allele origin: germline.
Comment: The p.L378F variant (also known as c.1132C>T), located in coding exon 8 of the LMF1 gene, results from a C to T substitution at nucleotide position 1132. The leucine at codon 378 is replaced by phenylalanine, an amino acid with highly similar properties. This amino acid position is conserved. In addition, the in silico prediction for this alteration is inconclusive. Based on the available evidence, the clinical significance of this variant remains unclear.